The following is an entry in ClinVar:

ClinVar aggregate classification (germline): Pathogenic/Likely pathogenic. Review status: criteria provided, multiple submitters, no conflicts (2 of 4 stars). 4 submissions from 4 submitters: Pathogenic (2); Likely pathogenic (1). 1 of the submissions does not count toward it. Last evaluated 2025-09-15.

Conditions:
Retinitis pigmentosa 12 (RP12). Also called: RP WITH OR WITHOUT PRESERVED PARAARTERIOLE RETINAL PIGMENT EPITHELIUM; RETINITIS PIGMENTOSA WITH OR WITHOUT PARAARTERIOLAR PRESERVATION OF RETINAL PIGMENT EPITHELIUM; RP WITH OR WITHOUT PPRPE. Identifiers: Orphanet 791, MedGen C1838647, MONDO:0010818, OMIM 600105.
Leber congenital amaurosis 8 (LCA8). Identifiers: Orphanet 65, MedGen C3151202, MONDO:0013453, OMIM 613835.
CRB1-related disorder. Also called: CRB1-related disorders; CRB1-related condition.

Submissions (4):

Labcorp Genetics (formerly Invitae), Labcorp
Classification: Pathogenic for Leber congenital amaurosis 8; Retinitis pigmentosa 12. Last evaluated: 2025-09-15. Review status: criteria provided, single submitter. Criteria: Invitae Variant Classification Sherloc (09022015). Collection method: clinical testing. Allele origin: germline.
Comment: This sequence change creates a premature translational stop signal (p.Ser38Leufs*33) in the CRB1 gene. It is expected to result in an absent or disrupted protein product. Loss-of-function variants in CRB1 are known to be pathogenic (PMID: 10508521, 22065545, 23379534, 25412400, 26957898, 28041643, 29391521). This variant is present in population databases (rs62645750, gnomAD 0.002%). This premature translational stop signal has been observed in individual(s) with Leber congenital amaurosis (PMID: 11231775). This variant is also known as 1bp del codon 37. ClinVar contains an entry for this variant (Variation ID: 99865). For these reasons, this variant has been classified as Pathogenic.

Baylor Genetics
Classification: Likely pathogenic for Leber congenital amaurosis 8. Last evaluated: 2023-05-07. Review status: criteria provided, single submitter. Criteria: ACMG Guidelines, 2015. Collection method: clinical testing. Allele origin: unknown.

Blueprint Genetics
Classification: Pathogenic for CRB1-related disorders. Last evaluated: 2021-11-04. Review status: criteria provided, single submitter. Criteria: ACMG Guidelines, 2015. Collection method: clinical testing. Allele origin: germline. Affected: yes. Observed: 4 variant alleles.

Retina International
No classification provided. Review status: no classification provided. Collection method: not provided. Allele origin: not provided. Not counted in ClinVar's aggregate classification.

Literature cited by the submitters: PubMed 10508521 (cited by Labcorp Genetics (formerly Invitae), Labcorp); PubMed 22065545 (cited by Labcorp Genetics (formerly Invitae), Labcorp); PubMed 23379534 (cited by Labcorp Genetics (formerly Invitae), Labcorp); PubMed 25412400 (cited by Labcorp Genetics (formerly Invitae), Labcorp); PubMed 26957898 (cited by Labcorp Genetics (formerly Invitae), Labcorp); PubMed 28041643 (cited by Labcorp Genetics (formerly Invitae), Labcorp); PubMed 29391521 (cited by Labcorp Genetics (formerly Invitae), Labcorp); PubMed 11231775 (cited by Labcorp Genetics (formerly Invitae), Labcorp).

NM_201253.3(CRB1):c.112del (p.Ser38fs)

Gene: CRB1 (crumbs cell polarity complex component 1; plus strand). Cytogenetic location: 1q31.3.
Variant type: Deletion.
Coding change: c.112del on transcript NM_201253.3 (MANE Select); coding-DNA position 112, one base deleted (T; older notation c.112delT).
Protein change: p.Ser38fs; shifts the reading frame from serine 38.
Molecular consequence: frameshift variant. On other transcripts: 5 prime UTR variant (1), non-coding transcript variant (2).
Genome position (GRCh38, 1-based): chr1:197,328,463, T deleted; the last of 2 consecutive T bases (chr1:197,328,462-197,328,463); deleting either gives the same sequence. VCF-style (leftmost placement, unchanged base first): chr1-197328461-AT-A. GRCh37 (hg19) VCF-style: chr1-197297591-AT-A.
Other names: c.112del, p.Ser38fs (NM_001193640.2, NM_001257966.2); c.-96del (NM_001257965.2); short protein forms S38fs.
Identifiers: ClinVar variation 99865 (VCV000099865.10), dbSNP rs62645750, ClinGen allele CA227986.
Genomic context (GRCh38, chr1:197,328,461, plus strand): 5'-TTACTTTTTATTTCCTTGTAGATTCCTTTTGCAATAAAAACAACACCAGGTGCCTCTCAA[AT>A]TCTTGCCAAAACAATTCTACATGCAAAGATTTTTCAAAAGACAATGATTGTTCTTGTTCA-3'